The following is an entry in ClinVar:

ClinVar aggregate classification (germline): Likely benign. Review status: criteria provided, multiple submitters, no conflicts (2 of 4 stars). 2 submissions from 2 submitters: Likely benign (2). Last evaluated 2024-11-05.

Allele frequency attached by ClinVar (database versions not stated): ESP Exome Variant Server 0.00023.

Submissions (2):

Blueprint Genetics
Classification: Likely benign. Last evaluated: 2024-11-05. Review status: criteria provided, single submitter. Criteria: ACMG Guidelines, 2015. Collection method: clinical testing. Allele origin: germline.

CeGaT Center for Human Genetics Tuebingen
Classification: Likely benign. Last evaluated: 2023-04-01. Review status: criteria provided, single submitter. Criteria: CeGaT Center For Human Genetics Tuebingen Variant Classification Criteria Version 2. Collection method: clinical testing. Allele origin: germline. Affected: yes. Observed: 1 variant allele.
Comment: UBTF: BP4, BP7

NM_014233.4(UBTF):c.2061C>T (p.Asp687=)

Genes: ATXN7L3-AS1 (ATXN7L3 antisense RNA 1; plus strand), UBTF (upstream binding transcription factor; minus strand). Cytogenetic location: 17q21.31.
Variant type: single nucleotide variant.
Coding change: c.2061C>T on transcript NM_014233.4 (MANE Select); coding-DNA position 2061, C replaced by T.
Protein change: p.Asp687=; no amino-acid change (aspartic acid 687 retained).
Molecular consequence: synonymous variant. On other transcripts: non-coding transcript variant (1).
Genome position (GRCh38, 1-based): chr17:44,207,562, G>A on the plus strand (C>T on the coding strand, the complement: UBTF is on the minus strand). VCF-style: chr17-44207562-G-A. GRCh37 (hg19) VCF-style: chr17-42284930-G-A.
Other names: c.1950C>T, p.Asp650= (NM_001076683.2, NM_001076684.3).
Identifiers: ClinVar variation 2647822 (VCV002647822.25), dbSNP rs142426190, ClinGen allele CA8599248.